The following is an entry in ClinVar:

ClinVar aggregate classification (germline): Uncertain significance. Review status: criteria provided, multiple submitters, no conflicts (2 of 4 stars). 3 submissions from 3 submitters: Uncertain significance (3). Last evaluated 2024-01-30.

Conditions:
Inborn genetic diseases. Identifiers: MedGen C0950123, MeSH D030342.
Developmental and epileptic encephalopathy, 12 (DEE12). Identifiers: MedGen C3150988, MONDO:0013389, OMIM 613722.

Allele frequency attached by ClinVar (database versions not stated): gnomAD 0.00001 and 0.00003; ExAC 0.00002; TOPMed 0.00003; ESP Exome Variant Server 0.00015.

Submissions (3):

Ambry Genetics
Classification: Uncertain significance for Inborn genetic diseases. Last evaluated: 2024-01-30. Review status: criteria provided, single submitter. Criteria: Ambry Variant Classification Scheme 2023. Collection method: clinical testing. Allele origin: germline.

Labcorp Genetics (formerly Invitae), Labcorp
Classification: Uncertain significance for Developmental and epileptic encephalopathy, 12. Last evaluated: 2021-12-03. Review status: criteria provided, single submitter. Criteria: Invitae Variant Classification Sherloc (09022015). Collection method: clinical testing. Allele origin: germline.
Comment: This sequence change replaces arginine, which is basic and polar, with histidine, which is basic and polar, at codon 201 of the PNKP protein (p.Arg201His). This variant is present in population databases (rs150253619, gnomAD 0.007%). This variant has not been reported in the literature in individuals affected with PNKP-related conditions. ClinVar contains an entry for this variant (Variation ID: 198199). Algorithms developed to predict the effect of missense changes on protein structure and function are either unavailable or do not agree on the potential impact of this missense change (SIFT: "Tolerated"; PolyPhen-2: "Possibly Damaging"; Align-GVGD: "Class C0"). In summary, the available evidence is currently insufficient to determine the role of this variant in disease. Therefore, it has been classified as a Variant of Uncertain Significance.

Eurofins Ntd Llc (ga)
Classification: Uncertain significance. Last evaluated: 2015-04-24. Review status: criteria provided, single submitter. Criteria: EGL Classification Definitions 2015. Collection method: clinical testing. Allele origin: germline. Observed: 1 variant allele, 1 heterozygote.

NM_007254.4(PNKP):c.602G>A (p.Arg201His)

Gene: PNKP (polynucleotide kinase 3'-phosphatase; minus strand). Cytogenetic location: 19q13.33.
Variant type: single nucleotide variant.
Coding change: c.602G>A on transcript NM_007254.4 (MANE Select); coding-DNA position 602, G replaced by A.
Protein change: p.Arg201His; replaces arginine 201 with histidine.
Molecular consequence: missense variant.
Genome position (GRCh38, 1-based): chr19:49,864,213, C>T on the plus strand (G>A on the coding strand, the complement: PNKP is on the minus strand). VCF-style: chr19-49864213-C-T. GRCh37 (hg19) VCF-style: chr19-50367470-C-T.
Other names: c.602G>A (NM_007254.3); short protein forms R201H.
Identifiers: ClinVar variation 198199 (VCV000198199.8), dbSNP rs150253619, ClinGen allele CA246728.